The following is an entry in ClinVar:

ClinVar aggregate classification (germline): Uncertain significance (1 of 4 stars; one submission).

Conditions:
RASopathy. Also called: rasopathies; Noonan spectrum disorder. Identifiers: Orphanet 536391, MedGen C5555857, MONDO:0021060.

Allele frequency attached by ClinVar (database versions not stated): ExAC 0.00001; gnomAD 0.00001; gnomAD exomes 0.00001 and 0.00002.
gnomAD v4.1: 4 of 1,613,634 alleles (0.00025%); highest among the groups gnomAD compares: Admixed American, 0.0067%; no homozygotes.

Submission:

Labcorp Genetics (formerly Invitae), Labcorp
Classification: Uncertain significance for RASopathy. Last evaluated: 2025-09-07. Review status: criteria provided, single submitter. Criteria: Invitae Variant Classification Sherloc (09022015). Collection method: clinical testing. Allele origin: germline.
Comment: This sequence change replaces alanine, which is neutral and non-polar, with threonine, which is neutral and polar, at codon 334 of the SOS1 protein (p.Ala334Thr). This variant is present in population databases (rs765820430, gnomAD 0.009%). This variant has not been reported in the literature in individuals affected with SOS1-related conditions. ClinVar contains an entry for this variant (Variation ID: 1057127). Invitae Evidence Modeling of protein sequence and biophysical properties (such as structural, functional, and spatial information, amino acid conservation, physicochemical variation, residue mobility, and thermodynamic stability) has been performed for this missense variant. However, the output from this modeling did not meet the statistical confidence thresholds required to predict the impact of this variant on SOS1 protein function. In summary, the available evidence is currently insufficient to determine the role of this variant in disease. Therefore, it has been classified as a Variant of Uncertain Significance.

NM_005633.4(SOS1):c.1000G>A (p.Ala334Thr)

Gene: SOS1 (SOS Ras/Rac guanine nucleotide exchange factor 1; minus strand). Cytogenetic location: 2p22.1.
Variant type: single nucleotide variant.
Coding change: c.1000G>A on transcript NM_005633.4 (MANE Select); coding-DNA position 1000, G replaced by A.
Protein change: p.Ala334Thr; replaces alanine 334 with threonine.
Molecular consequence: missense variant.
Genome position (GRCh38, 1-based): chr2:39,035,286, C>T on the plus strand (G>A on the coding strand, the complement: SOS1 is on the minus strand). VCF-style: chr2-39035286-C-T. GRCh37 (hg19) VCF-style: chr2-39262427-C-T.
Other names: c.979G>A, p.Ala327Thr (NM_001382394.1); c.1000G>A, p.Ala334Thr (NM_001382395.1); short protein forms A327T, A334T.
Identifiers: ClinVar variation 1057127 (VCV001057127.9), dbSNP rs765820430, ClinGen allele CA1624665.